The following is an entry in ClinVar:

ClinVar aggregate classification (germline): Likely pathogenic (1 of 4 stars; one submission).

Conditions:
Intellectual developmental disorder, X-linked, syndromic, Snyder-Robinson type. Also called: Syndromic X-linked intellectual disability Snyder type; X-linked mental retardation Snyder - Robinson type; Spermine synthase deficiency; SNYDER-ROBINSON MENTAL RETARDATION SYNDROME. Identifiers: Orphanet 3063, MedGen C0796160, MONDO:0010664, OMIM 309583.

Submission:

3billion
Classification: Likely pathogenic for Intellectual developmental disorder, X-linked, syndromic, Snyder-Robinson type. Last evaluated: 2022-03-22. Review status: criteria provided, single submitter. Criteria: ACMG Guidelines, 2015. Collection method: clinical testing. Allele origin: germline. Affected: yes. Observed: 1 hemizygote.
Comment: Canonical splice site: predicted to alter splicing and result in a loss or disruption of normal protein function through nonsense-mediated decay (NMD) or protein truncation. Multiple pathogenic variants are reported downstream of the variant.It is not observed in the gnomAD v2.1.1 dataset. Therefore, this variant is classified as likely pathogenic according to the recommendation of ACMG/AMP guideline.

NM_004595.5(SMS):c.865+2T>C

Gene: SMS (spermine synthase; plus strand). Cytogenetic location: Xp22.11.
Variant type: single nucleotide variant.
Coding change: c.865+2T>C on transcript NM_004595.5 (MANE Select); the canonical splice donor site of the intron after coding-DNA position 865, T replaced by C.
Molecular consequence: splice donor variant.
Genome position (GRCh38, 1-based): chrX:21,984,420, T>C. VCF-style: chrX-21984420-T-C. GRCh37 (hg19) VCF-style: chrX-22002538-T-C.
Other names: c.706+2T>C (NM_001258423.2).
Identifiers: ClinVar variation 1526148 (VCV001526148.1), dbSNP rs2146953457, ClinGen allele CA412570587.